The following is an entry in ClinVar:

NM_000719.7(CACNA1C):c.2853+155G>A

Gene: CACNA1C (calcium voltage-gated channel subunit alpha1 C; plus strand). Cytogenetic location: 12p13.33.
Variant type: single nucleotide variant.
Coding change: c.2853+155G>A on transcript NM_000719.7 (MANE Select); 155 bases into the intron after coding-DNA position 2853, G replaced by A.
Molecular consequence: intron variant. On other transcripts: missense variant (11).
Genome position (GRCh38, 1-based): chr12:2,597,444, G>A. VCF-style: chr12-2597444-G-A. GRCh37 (hg19) VCF-style: chr12-2706610-G-A.
Other names: c.2861G>A, p.Gly954Asp (NM_001129827.2, NM_001129832.2, NM_199460.4); c.2801G>A, p.Gly934Asp (NM_001129830.3, NM_001129835.2, NM_001129836.2 and 5 more transcripts); c.2853+155G>A (NM_001167624.3, NM_001167623.2, NM_001167625.2 and 7 more transcripts); c.2844+155G>A (NM_001129844.2); short protein forms G934D, G954D.
Identifiers: ClinVar variation 1803520 (VCV001803520.1), dbSNP rs2517011041, ClinGen allele CA383372827.

ClinVar aggregate classification (germline): Uncertain significance (1 of 4 stars; one submission).

Submission:

GeneDx
Classification: Uncertain significance. Last evaluated: 2022-06-09. Review status: criteria provided, single submitter. Criteria: GeneDx Variant Classification Process June 2021. Collection method: clinical testing. Allele origin: germline. Affected: yes.
Comment: Not observed at significant frequency in large population cohorts (gnomAD); In silico analysis supports a deleterious effect on splicing; Has not been previously published as pathogenic or benign to our knowledge; Reported using an alternate transcript of the gene